The following is an entry in ClinVar:

NM_002472.3(MYH8):c.5665G>C (p.Glu1889Gln)

Genes: MYH8 (myosin heavy chain 8; minus strand), MYHAS (myosin heavy chain gene cluster antisense RNA; plus strand). Cytogenetic location: 17p13.1.
Variant type: single nucleotide variant.
Coding change: c.5665G>C on transcript NM_002472.3 (MANE Select); coding-DNA position 5665, G replaced by C.
Protein change: p.Glu1889Gln; replaces glutamic acid 1889 with glutamine.
Molecular consequence: missense variant.
Genome position (GRCh38, 1-based): chr17:10,390,603, C>G on the plus strand (G>C on the coding strand, the complement: MYH8 is on the minus strand). VCF-style: chr17-10390603-C-G. GRCh37 (hg19) VCF-style: chr17-10293920-C-G.
Other names: short protein forms E1889Q.
Identifiers: ClinVar variation 3254557 (VCV003254557.1), dbSNP rs2508003821.

ClinVar aggregate classification (germline): Uncertain significance (1 of 4 stars; one submission).

Conditions:
Hecht syndrome (DA7). Also called: Dutch-Kentucky syndrome; MOUTH, INABILITY TO OPEN COMPLETELY, AND SHORT FINGER-FLEXOR TENDONS. Identifiers: Orphanet 3377, MedGen C0265226, MONDO:0008016, OMIM 158300. Disease mechanism: gain of function.

Submission:

Victorian Clinical Genetics Services, Murdoch Childrens Research Institute
Classification: Uncertain significance for Hecht syndrome. Last evaluated: 2023-07-16. Review status: criteria provided, single submitter. Criteria: ACMG Guidelines, 2015. Collection method: clinical testing. Allele origin: germline. Inheritance: Autosomal dominant inheritance. Affected: yes.
Comment: Based on the classification scheme VCGS_Germline_v1.3.4, this variant is classified as VUS-3B. Following criteria are met: 0105 - The mechanism of disease for this gene is not clearly established. (I) 0107 - This gene is associated with autosomal dominant disease. Only a single recurrent variant, p.(Arg674Gln), has been reported thus far (OMIM). (I) 0200 - Variant is predicted to result in a missense amino acid change from glutamic acid to glutamine. (I) 0251 - This variant is heterozygous. (I) 0301 - Variant is absent from gnomAD (both v2 and v3). (SP) 0502 - Missense variant with conflicting in silico predictions and high conservation. This variant lies within the splice region of an exon. The nucleotide is highly conserved and in silico tools predict activation of a cryptic splice site, which may result in the loss of a single amino acid. (I) 0600 - Variant is located in the annotated myosin tail domain (DECIPHER). (I) 0705 - No comparable missense variants have previous evidence for pathogenicity. (I) 0807 - This variant has no previous evidence of pathogenicity. (I) 0905 - No published segregation evidence has been identified for this variant. (I) 1007 - No published functional evidence has been identified for this variant. (I) 1208 - Inheritance information for this variant is not currently available in this individual. (I) Legend: (SP) - Supporting pathogenic, (I) - Information, (SB) - Supporting benign